The following is an entry in ClinVar:

NM_144686.4(TMC4):c.168GGA[7] (p.Glu61_Asp62insGlu)

Gene: TMC4 (transmembrane channel like 4; minus strand). Cytogenetic location: 19q13.42.
Variant type: Microsatellite.
Coding change: c.168GGA[7] on transcript NM_144686.4 (MANE Select); seven copies in a row of the 3-base unit GGA starting at c.168; the reference has six copies in a row; one copy, 3 bases duplicated.
Protein change: p.Glu61_Asp62insGlu.
Genome position (GRCh38, 1-based): chr19:54,171,978-54,171,980, TCC duplicated on the plus strand (GGA on the coding strand, the reverse complement: TMC4 is on the minus strand); duplicating any 3 consecutive bases within chr19:54,171,978-54,171,995 gives the same sequence; the position shown is the placement nearest the transcript's 3' end. VCF-style (leftmost placement, unchanged base first): chr19-54171977-A-ATCC. GRCh37 (hg19) VCF-style: chr19-54675746-A-ATCC.
Other names: c.186GGA[7], p.Glu67_Asp68insGlu (NM_001145303.3).
Identifiers: ClinVar variation 3046338 (VCV003046338.2), dbSNP rs762054111, ClinGen allele CA309344805.

ClinVar aggregate classification (germline): Likely benign (0 of 4 stars; one submission).

Conditions:
TMC4-related disorder. Also called: TMC4-related condition.

Submission:

PreventionGenetics, part of Exact Sciences
Classification: Likely benign for TMC4-related condition. Last evaluated: 2023-02-20. Review status: no assertion criteria provided. Collection method: clinical testing. Allele origin: germline.
Comment: This variant is classified as likely benign based on ACMG/AMP sequence variant interpretation guidelines (Richards et al. 2015 PMID: 25741868, with internal and published modifications).